The following is an entry in ClinVar:

NM_130384.3(ATRIP):c.104G>T (p.Arg35Leu)

Genes: ATRIP (ATR interacting protein; plus strand), ATRIP-TREX1 (ATRIP-TREX1 readthrough; plus strand), LOC129936703 (ATAC-STARR-seq lymphoblastoid silent region 14331; plus strand). Cytogenetic location: 3p21.31.
Variant type: single nucleotide variant.
Coding change: c.104G>T on transcript NM_130384.3 (MANE Select); coding-DNA position 104, G replaced by T.
Protein change: p.Arg35Leu; replaces arginine 35 with leucine.
Molecular consequence: missense variant. On other transcripts: non-coding transcript variant (1), intron variant (1).
Genome position (GRCh38, 1-based): chr3:48,446,949, G>T. VCF-style: chr3-48446949-G-T. GRCh37 (hg19) VCF-style: chr3-48488353-G-T.
Other names: c.104G>T, p.Arg35Leu (NM_032166.4); c.-218+150G>T (NM_001271022.2); short protein forms R35L.
Identifiers: ClinVar variation 4644594 (VCV004644594.1).

ClinVar aggregate classification (germline): Uncertain significance (1 of 4 stars; one submission).

gnomAD v4.1: 2 of 1,526,626 alleles (0.00013%); highest among the groups gnomAD compares: Non-Finnish European, 0.000088%; no homozygotes.

Submission:

Ambry Genetics
Classification: Uncertain significance. Last evaluated: 2025-11-25. Review status: criteria provided, single submitter. Criteria: Ambry Variant Classification Scheme 2023. Collection method: clinical testing. Allele origin: germline.
Comment: The p.R35L variant (also known as c.104G>T), located in coding exon 1 of the ATRIP gene, results from a G to T substitution at nucleotide position 104. The arginine at codon 35 is replaced by leucine, an amino acid with dissimilar properties. This amino acid position is conserved. In addition, the in silico prediction for this alteration is inconclusive. Based on the available evidence, the clinical significance of this variant remains unclear.